The following is an entry in ClinVar:

ClinVar aggregate classification (germline): Uncertain significance (1 of 4 stars; one submission).

gnomAD v4.1: 1 of 1,613,218 alleles (0.000062%); highest among the groups gnomAD compares: Non-Finnish European, 0.000085%; no homozygotes.

Submission:

Labcorp Genetics (formerly Invitae), Labcorp
Classification: Uncertain significance. Last evaluated: 2023-08-22. Review status: criteria provided, single submitter. Criteria: Invitae Variant Classification Sherloc (09022015). Collection method: clinical testing. Allele origin: germline.
Comment: In summary, the available evidence is currently insufficient to determine the role of this variant in disease. Therefore, it has been classified as a Variant of Uncertain Significance. Experimental studies and prediction algorithms are not available or were not evaluated, and the functional significance of this variant is currently unknown. ClinVar contains an entry for this variant (Variation ID: 1997060). This variant has not been reported in the literature in individuals affected with COL18A1-related conditions. This variant is not present in population databases (gnomAD no frequency). This sequence change replaces asparagine, which is neutral and polar, with aspartic acid, which is acidic and polar, at codon 1063 of the COL18A1 protein (p.Asn1063Asp).

NM_001379500.1(COL18A1):c.3196A>G (p.Asn1066Asp)

Genes: COL18A1 (collagen type XVIII alpha 1 chain; plus strand), SLC19A1 (solute carrier family 19 member 1; minus strand). Cytogenetic location: 21q22.3.
Variant type: single nucleotide variant.
Coding change: c.3196A>G on transcript NM_001379500.1 (MANE Select); coding-DNA position 3196, A replaced by G.
Protein change: p.Asn1066Asp; replaces asparagine 1066 with aspartic acid.
Molecular consequence: missense variant.
Genome position (GRCh38, 1-based): chr21:45,505,946, A>G. VCF-style: chr21-45505946-A-G. GRCh37 (hg19) VCF-style: chr21-46925860-A-G.
Other names: c.3727A>G, p.Asn1243Asp (NM_030582.4); c.4432A>G, p.Asn1478Asp (NM_130444.3); short protein forms N1478D, N1066D, N1243D.
Identifiers: ClinVar variation 1997060 (VCV001997060.3), dbSNP rs369018715, ClinGen allele CA410500088.